The following is an entry in ClinVar:

ClinVar aggregate classification (germline): Uncertain significance (1 of 4 stars; one submission).

Submission:

GeneDx
Classification: Uncertain significance. Last evaluated: 2025-09-19. Review status: criteria provided, single submitter. Criteria: GeneDx Variant Classification Process June 2021. Collection method: clinical testing. Allele origin: germline.
Comment: Has not been previously published as pathogenic or benign to our knowledge; Not observed at significant frequency in large population cohorts (gnomAD); In silico analysis supports that this missense variant has a deleterious effect on protein structure/function

NM_003238.6(TGFB2):c.503T>C (p.Leu168Pro)

Gene: TGFB2 (transforming growth factor beta 2; plus strand). Cytogenetic location: 1q41.
Variant type: single nucleotide variant.
Coding change: c.503T>C on transcript NM_003238.6 (MANE Select); coding-DNA position 503, T replaced by C.
Protein change: p.Leu168Pro; replaces leucine 168 with proline.
Molecular consequence: missense variant. On other transcripts: non-coding transcript variant (2).
Genome position (GRCh38, 1-based): chr1:218,405,325, T>C. VCF-style: chr1-218405325-T-C. GRCh37 (hg19) VCF-style: chr1-218578667-T-C.
Other names: c.587T>C, p.Leu196Pro (NM_001135599.4); short protein forms L168P, L196P.
Identifiers: ClinVar variation 4071859 (VCV004071859.2).